The following is an entry in ClinVar:

ClinVar aggregate classification (germline): Uncertain significance (1 of 4 stars; one submission).

Conditions:
Werner syndrome (WRN). Identifiers: Orphanet 902, MedGen C0043119, MONDO:0010196, OMIM 277700.

Allele frequency attached by ClinVar (database versions not stated): gnomAD exomes below 0.00001.
gnomAD v4.1: 1 of 1,613,994 alleles (0.000062%); highest among the groups gnomAD compares: Non-Finnish European, 0.000085%; no homozygotes.

Submission:

Labcorp Genetics (formerly Invitae), Labcorp
Classification: Uncertain significance for Werner syndrome. Last evaluated: 2022-07-20. Review status: criteria provided, single submitter. Criteria: Invitae Variant Classification Sherloc (09022015). Collection method: clinical testing. Allele origin: germline.
Comment: In summary, the available evidence is currently insufficient to determine the role of this variant in disease. Therefore, it has been classified as a Variant of Uncertain Significance. Algorithms developed to predict the effect of missense changes on protein structure and function output the following: SIFT: "Not Available"; PolyPhen-2: "Benign"; Align-GVGD: "Not Available". The serine amino acid residue is found in multiple mammalian species, which suggests that this missense change does not adversely affect protein function. This variant has not been reported in the literature in individuals affected with WRN-related conditions. This variant is not present in population databases (gnomAD no frequency). This sequence change replaces phenylalanine, which is neutral and non-polar, with serine, which is neutral and polar, at codon 374 of the WRN protein (p.Phe374Ser).

NM_000553.6(WRN):c.1121T>C (p.Phe374Ser)

Gene: WRN (WRN RecQ like helicase; plus strand). Cytogenetic location: 8p12.
Variant type: single nucleotide variant.
Coding change: c.1121T>C on transcript NM_000553.6 (MANE Select); coding-DNA position 1121, T replaced by C.
Protein change: p.Phe374Ser; replaces phenylalanine 374 with serine.
Molecular consequence: missense variant.
Genome position (GRCh38, 1-based): chr8:31,081,148, T>C. VCF-style: chr8-31081148-T-C. GRCh37 (hg19) VCF-style: chr8-30938664-T-C.
Other names: short protein forms F374S.
Identifiers: ClinVar variation 1720014 (VCV001720014.5), dbSNP rs2535910943, ClinGen allele CA370920838.